The following is an entry in ClinVar:

NM_001330691.3(CEP78):c.623A>G (p.His208Arg)

Gene: CEP78 (centrosomal protein 78; plus strand). Cytogenetic location: 9q21.2.
Variant type: single nucleotide variant.
Coding change: c.623A>G on transcript NM_001330691.3 (MANE Select); coding-DNA position 623, A replaced by G.
Protein change: p.His208Arg; replaces histidine 208 with arginine.
Molecular consequence: missense variant.
Genome position (GRCh38, 1-based): chr9:78,243,481, A>G. VCF-style: chr9-78243481-A-G. GRCh37 (hg19) VCF-style: chr9-80858397-A-G.
Other names: c.623A>G, p.His208Arg (NM_001098802.3, NM_001330693.3, NM_001330694.2 and 4 more transcripts); short protein forms H208R.
Identifiers: ClinVar variation 1363745 (VCV001363745.8), dbSNP rs1242899292, ClinGen allele CA374000416.
Genomic context (GRCh38, chr9:78,243,481, plus strand): 5'-TTATCCAAGTGTATTAATTTCATCTTATTAAATCTTTGAAGTATCAGACCATGAGAAGGC[A>G]TGAAGAAACCTGGGCTGAGAGTCTTCGCTATAGGAGACCTGATCTTGACTGTATGGCTGG-3'
Protein context (NP_001317620.1, residues 198-218): KILKYQTMRR[His208Arg]EETWAESLRY

ClinVar aggregate classification (germline): Uncertain significance (1 of 4 stars; one submission).

Allele frequency attached by ClinVar (database versions not stated): gnomAD exomes below 0.00001; gnomAD 0.00001; TOPMed 0.00001.
gnomAD v4.1: 3 of 1,613,228 alleles (0.00019%); highest among the groups gnomAD compares: Admixed American, 0.0033%; no homozygotes.

Submission:

Labcorp Genetics (formerly Invitae), Labcorp
Classification: Uncertain significance. Last evaluated: 2022-10-03. Review status: criteria provided, single submitter. Criteria: Invitae Variant Classification Sherloc (09022015). Collection method: clinical testing. Allele origin: germline.
Comment: In summary, the available evidence is currently insufficient to determine the role of this variant in disease. Therefore, it has been classified as a Variant of Uncertain Significance. Advanced modeling of protein sequence and biophysical properties (such as structural, functional, and spatial information, amino acid conservation, physicochemical variation, residue mobility, and thermodynamic stability) performed at Invitae indicates that this missense variant is not expected to disrupt CEP78 protein function. ClinVar contains an entry for this variant (Variation ID: 1363745). This variant has not been reported in the literature in individuals affected with CEP78-related conditions. This variant is present in population databases (no rsID available, gnomAD 0.003%). This sequence change replaces histidine, which is basic and polar, with arginine, which is basic and polar, at codon 208 of the CEP78 protein (p.His208Arg).